The following is an entry in ClinVar:

ClinVar aggregate classification (germline): Uncertain significance. Review status: criteria provided, multiple submitters, no conflicts (2 of 4 stars). 6 submissions from 6 submitters: Uncertain significance (6). Last evaluated 2026-09-09.

Conditions:
Bardet-Biedl syndrome (BBS). Identifiers: Orphanet 110, MedGen C0752166, MONDO:0015229.
Bardet-Biedl syndrome 9 (BBS9). Identifiers: Orphanet 110, MedGen C1859567, MONDO:0014437, OMIM 615986.
Fetal anomalies with a likely genetic cause.
BBS9-related disorder. Also called: BBS9-related condition.

Allele frequency attached by ClinVar (database versions not stated): TOPMed 0.00005; ExAC 0.00008; gnomAD exomes 0.00007; gnomAD 0.00004; ESP Exome Variant Server 0.00015.
gnomAD v4.1: 38 of 1,601,938 alleles (0.0024%); highest among the groups gnomAD compares: Middle Eastern, 0.033%; no homozygotes.

Submissions (7):

Genetics Laboratory, Great Ormond Street Hospital NHS Foundation Trust, North Thames Genomic Laboratory Hub
Classification: Uncertain significance for Fetal anomalies with a likely genetic cause. Last evaluated: 2026-09-09. Review status: criteria provided, single submitter. Criteria: ACGS Best Practice Guidelines for Variant Classification in Rare Disease 2024 v1.2. Collection method: clinical testing. Allele origin: germline. Affected: yes.
Comment: PM2_moderate, PVS1_moderate

PreventionGenetics, part of Exact Sciences
Classification: Uncertain significance for BBS9-related condition. Last evaluated: 2025-03-21. Review status: criteria provided, single submitter. Criteria: ACMG Guidelines, 2015. Collection method: clinical testing. Allele origin: germline.
Comment: The BBS9 c.2632G>T variant is predicted to result in premature protein termination (p.Glu878*). Although nonsense variants in BBS9 are expected to be pathogenic, none have been reported downstream of this variant. This variant is located in the penultimate exon and would not be predicted to undergo nonsense mediated decay. However, this variant is the last nucleotide of the exon and is predicted to decrease the strength of the canonical splice donor site (SpliceAI, Jaganathan et al. 2019. PubMed ID: 30661751). Therefore, this variants impact on the BBS9 protein is not known. To our knowledge, this variant has not been reported in the literature. This variant is reported in 0.060% of alleles in individuals of Ashkenazi Jewish descent in gnomAD. At this time, the clinical significance of this variant is uncertain due to the absence of conclusive functional and genetic evidence.

Labcorp Genetics (formerly Invitae), Labcorp
Classification: Uncertain significance for Bardet-Biedl syndrome. Last evaluated: 2024-12-02. Review status: criteria provided, single submitter. Criteria: Invitae Variant Classification Sherloc (09022015). Collection method: clinical testing. Allele origin: germline.
Comment: This sequence change creates a premature translational stop signal (p.Glu878*) in the BBS9 gene. While this is not anticipated to result in nonsense mediated decay, it is expected to disrupt the last 10 amino acid(s) of the BBS9 protein. This variant is present in population databases (rs150826095, gnomAD 0.06%). This variant has not been reported in the literature in individuals affected with BBS9-related conditions. ClinVar contains an entry for this variant (Variation ID: 661284). Experimental studies and prediction algorithms are not available or were not evaluated, and the functional significance of this variant is currently unknown. Algorithms developed to predict the effect of sequence changes on RNA splicing suggest that this variant may disrupt the consensus splice site. In summary, the available evidence is currently insufficient to determine the role of this variant in disease. Therefore, it has been classified as a Variant of Uncertain Significance.

Fulgent Genetics
Classification: Uncertain significance for Bardet-Biedl syndrome 9. Last evaluated: 2022-01-10. Review status: criteria provided, single submitter. Criteria: ACMG Guidelines, 2015. Collection method: clinical testing. Allele origin: unknown.

GeneDx
Classification: Uncertain significance. Last evaluated: 2020-12-10. Review status: criteria provided, single submitter. Criteria: GeneDx Variant Classification Process June 2021. Collection method: clinical testing. Allele origin: germline. Affected: yes.
Comment: Nonsense variant predicted to result in protein truncation as the last 10 amino acids are lost, although loss-of-function variants have not been reported downstream of this position in the protein; Has not been previously published as pathogenic or benign to our knowledge

Blueprint Genetics
Classification: Uncertain significance. Last evaluated: 2018-09-27. Review status: criteria provided, single submitter. Criteria: ACMG Guidelines, 2015. Collection method: clinical testing. Allele origin: germline.

Dr. Peter K. Rogan Lab, Western University
No classification provided (evidence only). Condition: Sarcoma. Review status: no classification provided. Collection method: in vitro. Allele origin: not applicable. Functional consequence: retained intron. Not counted in ClinVar's aggregate classification.

NM_198428.3(BBS9):c.2632G>T (p.Glu878Ter)

Gene: BBS9 (Bardet-Biedl syndrome 9; plus strand). Cytogenetic location: 7p14.3.
Variant type: single nucleotide variant.
Coding change: c.2632G>T on transcript NM_198428.3 (MANE Select); coding-DNA position 2632, G replaced by T.
Protein change: p.Glu878Ter; replaces glutamic acid 878 with a stop codon.
Molecular consequence: nonsense. On other transcripts: non-coding transcript variant (3), intron variant (1), missense variant (3).
Genome position (GRCh38, 1-based): chr7:33,604,975, G>T. VCF-style: chr7-33604975-G-T. GRCh37 (hg19) VCF-style: chr7-33644587-G-T.
Other names: c.2266G>T, p.Glu756Ter (NM_001348046.3, NM_001348045.3); c.2512G>T, p.Glu838Ter (NM_014451.4); c.2522-30202G>T (NM_001362679.1); c.2527G>T, p.Glu843Ter (NM_001033604.2); c.2617G>T, p.Glu873Ter (NM_001033605.2); c.2632G>T, p.Glu878Ter (NM_001348036.1); c.2083G>T, p.Glu695Ter (NM_001348037.3); c.2359G>T, p.Glu787Ter (NM_001348038.3); and 6 more; short protein forms E721*, E756*, E833*, E873*, D878Y, E752*, V878F, E838*.
Identifiers: ClinVar variation 661284 (VCV000661284.14), dbSNP rs150826095, ClinGen allele CA4214746.
Genomic context (GRCh38, chr7:33,604,975, plus strand): 5'-CAAGACTCTACAGAACTGTTTACCAACCACAGACATCTCACTGCAGAGACACCCAGGCCT[G>T]GTAAGAGACTGGATGGCCTTCACAAGCGTTAGTTAAGTCAGAAGCAGTGACAATCTGGTC-3'